The following is an entry in ClinVar:

NM_000317.3(PTS):c.73C>G (p.Arg25Gly)

Genes: PTS (6-pyruvoyltetrahydropterin synthase; plus strand), LOC130006765 (ATAC-STARR-seq lymphoblastoid silent region 3906; plus strand). Cytogenetic location: 11q23.1.
Variant type: single nucleotide variant.
Coding change: c.73C>G on transcript NM_000317.3 (MANE Select); coding-DNA position 73, C replaced by G.
Protein change: p.Arg25Gly; replaces arginine 25 with glycine.
Molecular consequence: missense variant.
Genome position (GRCh38, 1-based): chr11:112,226,516, C>G. VCF-style: chr11-112226516-C-G. GRCh37 (hg19) VCF-style: chr11-112097239-C-G.
Other names: short protein forms R25G.
Identifiers: ClinVar variation 463153 (VCV000463153.15), dbSNP rs1167104933, ClinGen allele CA382626554.

ClinVar aggregate classification (germline): Pathogenic/Likely pathogenic. Review status: criteria provided, multiple submitters, no conflicts (2 of 4 stars). 5 submissions from 5 submitters: Pathogenic (2); Likely pathogenic (2). 1 of the submissions does not count toward it. Last evaluated 2024-09-24.

Conditions:
6-Pyruvoyl-tetrahydrobiopterin synthase deficiency. Also called: HYPERPHENYLALANINEMIA, TETRAHYDROBIOPTERIN-DEFICIENT, DUE TO PTS DEFICIENCY; PTS-Related Tetrahydrobiopterin Deficiency; 6-Pyruvoyltetrahydropterin Synthase Deficiency; BH4-deficient hyperphenylalaninemia A; PTS DEFICIENCY; Hyperphenylalanemia, BH4-deficient, A. Identifiers: Orphanet 13, Orphanet 238583, MedGen C0878676, MONDO:0009863, OMIM 261640.

Allele frequency attached by ClinVar (database versions not stated): TOPMed 0.00001.
gnomAD v4.1: 1 of 1,583,174 alleles (0.000063%); highest among the groups gnomAD compares: East Asian, 0.0023%; no homozygotes.

Submissions (5):

Women's Health and Genetics/Laboratory Corporation of America, LabCorp
Classification: Likely pathogenic for 6-Pyruvoyl-tetrahydrobiopterin synthase deficiency. Last evaluated: 2024-09-24. Review status: criteria provided, single submitter. Criteria: LabCorp Variant Classification Summary - May 2015. Collection method: clinical testing. Allele origin: germline.
Comment: Variant summary: PTS c.73C>G (p.Arg25Gly) results in a non-conservative amino acid change in the encoded protein sequence. Five of five in-silico tools predict a damaging effect of the variant on protein function. The variant allele was found at a frequency of 1e-05 in 195620 control chromosomes. c.73C>G has been reported in the literature in compound heterozygous individuals affected with 6-Pyruvoyl-Tetrahydropterin Synthase Deficiency (Liu_1998, Liu_2001, Manzoni_2020, Qiu_2023). These data indicate that the variant is likely to be associated with disease. To our knowledge, no experimental evidence demonstrating an impact on protein function has been reported. The following publications have been ascertained in the context of this evaluation (PMID: 9450907, 11694255, 33234470, 37636258). ClinVar contains an entry for this variant (Variation ID: 463153). Based on the evidence outlined above, the variant was classified as likely pathogenic.

Baylor Genetics
Classification: Pathogenic for 6-Pyruvoyl-tetrahydrobiopterin synthase deficiency. Last evaluated: 2023-12-07. Review status: criteria provided, single submitter. Criteria: ACMG Guidelines, 2015. Collection method: clinical testing. Allele origin: unknown.

Labcorp Genetics (formerly Invitae), Labcorp
Classification: Pathogenic for 6-Pyruvoyl-tetrahydrobiopterin synthase deficiency. Last evaluated: 2023-11-15. Review status: criteria provided, single submitter. Criteria: Invitae Variant Classification Sherloc (09022015). Collection method: clinical testing. Allele origin: germline.
Comment: This sequence change replaces arginine, which is basic and polar, with glycine, which is neutral and non-polar, at codon 25 of the PTS protein (p.Arg25Gly). This variant is present in population databases (no rsID available, gnomAD 0.01%). This missense change has been observed in individual(s) with biopterin deficient hyperphenylalanemia (PMID: 9450907, 23138986). In at least one individual the data is consistent with being in trans (on the opposite chromosome) from a pathogenic variant. It has also been observed to segregate with disease in related individuals. ClinVar contains an entry for this variant (Variation ID: 463153). An algorithm developed to predict the effect of missense changes on protein structure and function (PolyPhen-2) suggests that this variant is likely to be disruptive. For these reasons, this variant has been classified as Pathogenic.

Revvity Omics, Revvity
Classification: Likely pathogenic for 6-Pyruvoyl-tetrahydrobiopterin synthase deficiency. Last evaluated: 2023-06-30. Review status: criteria provided, single submitter. Criteria: ACMG Guidelines, 2015. Collection method: clinical testing. Allele origin: germline.

Counsyl
Classification: Likely pathogenic for 6-Pyruvoyl-tetrahydrobiopterin synthase deficiency. Last evaluated: 2017-02-01. Review status: no assertion criteria provided. Collection method: clinical testing. Allele origin: unknown. Not counted in ClinVar's aggregate classification.

Literature cited by the submitters: PubMed 33234470 (cited by Women's Health and Genetics/Laboratory Corporation of America, LabCorp); PubMed 9450907 (cited by 3 submitters); PubMed 11694255 (cited by Women's Health and Genetics/Laboratory Corporation of America, LabCorp); PubMed 38105685 (cited by Women's Health and Genetics/Laboratory Corporation of America, LabCorp); PubMed 37636258 (cited by Women's Health and Genetics/Laboratory Corporation of America, LabCorp); PubMed 23138986 (cited by Labcorp Genetics (formerly Invitae), Labcorp and Counsyl).